The following is an entry in ClinVar:

ClinVar aggregate classification (germline): Uncertain significance (1 of 4 stars; one submission).

gnomAD v4.1: 6 of 1,614,034 alleles (0.00037%); highest among the groups gnomAD compares: South Asian, 0.0011%; no homozygotes.

Submission:

Dasa
Classification: Uncertain significance. Last evaluated: 2025-06-25. Review status: criteria provided, single submitter. Criteria: DASA Assertion Criteria. Collection method: clinical testing. Allele origin: germline.
Comment: NM_006035.4(CDC42BPB):c.1801A>G (p.Lys601Glu) is a missense variant that results in the substitution of lysine with glutamic acid. This variant is rare in population databases. The currently available literature and clinical evidence are not sufficient to establish a definitive association between this variant and the reported condition. Therefore, this variant is classified as a variant of uncertain significance.

NM_006035.4(CDC42BPB):c.1801A>G (p.Lys601Glu)

Gene: CDC42BPB (CDC42 binding protein kinase beta; minus strand). Cytogenetic location: 14q32.32.
Variant type: single nucleotide variant.
Coding change: c.1801A>G on transcript NM_006035.4 (MANE Select); coding-DNA position 1801, A replaced by G.
Protein change: p.Lys601Glu; replaces lysine 601 with glutamic acid.
Molecular consequence: missense variant.
Genome position (GRCh38, 1-based): chr14:102,972,002, T>C on the plus strand (A>G on the coding strand, the complement: CDC42BPB is on the minus strand). VCF-style: chr14-102972002-T-C. GRCh37 (hg19) VCF-style: chr14-103438339-T-C.
Other names: c.1801A>G, p.Lys601Glu (NM_001411054.1); short protein forms K601E.
Identifiers: ClinVar variation 4883024 (VCV004883024.2).